The following is an entry in ClinVar:

ClinVar aggregate classification (germline): Uncertain significance. Review status: criteria provided, multiple submitters, no conflicts (2 of 4 stars). 2 submissions from 2 submitters: Uncertain significance (2). Last evaluated 2024-04-22.

Allele frequency attached by ClinVar (database versions not stated): TOPMed below 0.00001; ExAC 0.00001; gnomAD exomes 0.00001 and 0.00003.
gnomAD v4.1: 9 of 1,577,074 alleles (0.00057%); highest among the groups gnomAD compares: Admixed American, 0.012%; no homozygotes.

Submissions (2):

Labcorp Genetics (formerly Invitae), Labcorp
Classification: Uncertain significance. Last evaluated: 2024-04-22. Review status: criteria provided, single submitter. Criteria: Invitae Variant Classification Sherloc (09022015). Collection method: clinical testing. Allele origin: germline.
Comment: This sequence change replaces threonine, which is neutral and polar, with proline, which is neutral and non-polar, at codon 41 of the KITLG protein (p.Thr41Pro). This variant is present in population databases (rs772453752, gnomAD 0.02%). This variant has not been reported in the literature in individuals affected with KITLG-related conditions. ClinVar contains an entry for this variant (Variation ID: 1195125). Advanced modeling of protein sequence and biophysical properties (such as structural, functional, and spatial information, amino acid conservation, physicochemical variation, residue mobility, and thermodynamic stability) performed at Invitae indicates that this missense variant is not expected to disrupt KITLG protein function with a negative predictive value of 80%. In summary, the available evidence is currently insufficient to determine the role of this variant in disease. Therefore, it has been classified as a Variant of Uncertain Significance.

GeneDx
Classification: Uncertain significance. Last evaluated: 2020-06-30. Review status: criteria provided, single submitter. Criteria: GeneDx Variant Classification Process June 2021. Collection method: clinical testing. Allele origin: germline. Affected: yes.
Comment: In silico analysis, which includes protein predictors and evolutionary conservation, supports that this variant does not alter protein structure/function; Has not been previously published as pathogenic or benign to our knowledge

NM_000899.5(KITLG):c.121A>C (p.Thr41Pro)

Gene: KITLG (KIT ligand; minus strand). Cytogenetic location: 12q21.32.
Variant type: single nucleotide variant.
Coding change: c.121A>C on transcript NM_000899.5 (MANE Select); coding-DNA position 121, A replaced by C.
Protein change: p.Thr41Pro; replaces threonine 41 with proline.
Molecular consequence: missense variant.
Genome position (GRCh38, 1-based): chr12:88,545,760, T>G on the plus strand (A>C on the coding strand, the complement: KITLG is on the minus strand). VCF-style: chr12-88545760-T-G. GRCh37 (hg19) VCF-style: chr12-88939537-T-G.
Other names: c.121A>C, p.Thr41Pro (NM_003994.6); short protein forms T41P.
Identifiers: ClinVar variation 1195125 (VCV001195125.5), dbSNP rs772453752, ClinGen allele CA6713821.